The following is an entry in ClinVar:

NM_007272.3(CTRC):c.289G>A (p.Glu97Lys)

Gene: CTRC (chymotrypsin C; plus strand). Cytogenetic location: 1p36.21.
Variant type: single nucleotide variant.
Coding change: c.289G>A on transcript NM_007272.3 (MANE Select); coding-DNA position 289, G replaced by A.
Protein change: p.Glu97Lys; replaces glutamic acid 97 with lysine.
Molecular consequence: missense variant.
Genome position (GRCh38, 1-based): chr1:15,442,505, G>A. VCF-style: chr1-15442505-G-A. GRCh37 (hg19) VCF-style: chr1-15769001-G-A.
Other names: short protein forms E97K.
Identifiers: ClinVar variation 3226062 (VCV003226062.1), dbSNP rs2526294526, ClinGen allele CA338565449.

ClinVar aggregate classification (germline): Uncertain significance (1 of 4 stars; one submission).

Conditions:
Hereditary pancreatitis (PCTT). Also called: Hereditary chronic pancreatitis; PRSS1-Related Hereditary Pancreatitis. Identifiers: Orphanet 676, MedGen C0238339, MONDO:0008185, OMIM 167800.

Submission:

Ambry Genetics
Classification: Uncertain significance for Hereditary pancreatitis. Last evaluated: 2023-09-21. Review status: criteria provided, single submitter. Criteria: Ambry Variant Classification Scheme 2023. Collection method: clinical testing. Allele origin: germline.
Comment: The p.E97K variant (also known as c.289G>A), located in coding exon 4 of the CTRC gene, results from a G to A substitution at nucleotide position 289. The glutamic acid at codon 97 is replaced by lysine, an amino acid with similar properties. This amino acid position is conserved. In addition, this alteration is predicted to be tolerated by in silico analysis. Since supporting evidence is limited at this time, the clinical significance of this alteration remains unclear.